The following is an entry in ClinVar:

Conditions:
Breast-ovarian cancer, familial, susceptibility to, 1 (BROVCA1). Also called: BRCA1 Hereditary Breast and Ovarian Cancer; OVARIAN CANCER, SUSCEPTIBILITY TO. Identifiers: Orphanet 145, MedGen C2676676, MONDO:0011450, OMIM 604370. Disease mechanism: loss of function.

Submission:

Brotman Baty Institute, University of Washington
No classification provided (evidence only). Condition: Breast-ovarian cancer, familial 1. Review status: no classification provided. Collection method: in vitro. Allele origin: not applicable. Functional consequence: functionally_normal.
ClinVar note: "not provided" was previously submitted as the classification for the variant. However, the classification appeared to be based only on an observation of functional data so it was converted to no classification on 2025-07-30.

NM_007294.4(BRCA1):c.5278-13T>G

Gene: BRCA1 (BRCA1 DNA repair associated; minus strand). Cytogenetic location: 17q21.31.
Variant type: single nucleotide variant.
Coding change: c.5278-13T>G on transcript NM_007294.4 (MANE Select); 13 bases into the intron before coding-DNA position 5278, T replaced by G.
Molecular consequence: intron variant.
Genome position (GRCh38, 1-based): chr17:43,051,130, A>C on the plus strand (T>G on the coding strand, the complement: BRCA1 is on the minus strand). VCF-style: chr17-43051130-A-C. GRCh37 (hg19) VCF-style: chr17-41203147-A-C.
Other names: c.1825-13T>G (NM_001408458.1, NM_001408461.1, NM_001408464.1 and 7 more transcripts); c.4387-13T>G (NM_001407967.1); c.4897-13T>G (NM_001407959.1); c.5011-13T>G (NM_001407931.1, NM_001407932.1, NM_001407928.1 and 4 more transcripts); c.5134-13T>G (NM_001407747.1, NM_001407745.1, NM_001407737.1 and 21 more transcripts); c.4894-13T>G (NM_001407962.1, NM_001407960.1); c.1465-13T>G (NM_001408512.1); c.1588-13T>G (NM_001408510.1); and 74 more.
Identifiers: ClinVar variation 868273 (VCV000868273.3), dbSNP rs2051217574, ClinGen allele CA916081077.
Genomic context (GRCh38, chr17:43,051,130, plus strand): 5'-CATGTTGGTGAAGGGCCCATAGCAACAGATTTCTAGCCCCCTGAAGATCTGGAAGAAGAG[A>C]GGAAGAGAGAGGGACAGGGGAATGGAGAGAAGGAAAATCTAGTTATAAAAGAATATTGGC-3'